The following is an entry in ClinVar:

ClinVar aggregate classification (germline): Uncertain significance (1 of 4 stars; one submission).

Allele frequency attached by ClinVar (database versions not stated): ExAC 0.00001; gnomAD 0.00001; gnomAD exomes 0.00001; TOPMed 0.00002.

Submission:

GeneDx
Classification: Uncertain significance. Last evaluated: 2022-08-12. Review status: criteria provided, single submitter. Criteria: GeneDx Variant Classification Process June 2021. Collection method: clinical testing. Allele origin: germline. Affected: yes.
Comment: In silico analysis supports that this missense variant has a deleterious effect on protein structure/function; Has not been previously published as pathogenic or benign to our knowledge

NM_001089.3(ABCA3):c.4582G>A (p.Ala1528Thr)

Gene: ABCA3 (ATP binding cassette subfamily A member 3; minus strand). Cytogenetic location: 16p13.3.
Variant type: single nucleotide variant.
Coding change: c.4582G>A on transcript NM_001089.3 (MANE Select); coding-DNA position 4582, G replaced by A.
Protein change: p.Ala1528Thr; replaces alanine 1528 with threonine.
Molecular consequence: missense variant.
Genome position (GRCh38, 1-based): chr16:2,278,424, C>T on the plus strand (G>A on the coding strand, the complement: ABCA3 is on the minus strand). VCF-style: chr16-2278424-C-T. GRCh37 (hg19) VCF-style: chr16-2328425-C-T.
Other names: short protein forms A1528T.
Identifiers: ClinVar variation 2429624 (VCV002429624.1), dbSNP rs777637300, ClinGen allele CA7840066.